The following is an entry in ClinVar:

ClinVar aggregate classification (germline): Conflicting classifications of pathogenicity. Review status: criteria provided, conflicting classifications (1 of 4 stars). 2 submissions from 2 submitters: Pathogenic (1); Uncertain significance (1). Last evaluated 2023-07-11.

Conditions:
Isolated focal cortical dysplasia type II (FCORD2). Also called: CORTICAL DYSPLASIA OF TAYLOR; Focal cortical dysplasia type II. Identifiers: Orphanet 268994, MedGen C1846385, MONDO:0011818, OMIM 607341, HP:0032051.
Lymphangiomyomatosis (LAM). Also called: Lymphangioleiomyomatosis, somatic; Lymphangioleiomyomatosis. Identifiers: Orphanet 538, MedGen C0751674, MONDO:0011705, OMIM 606690.
Tuberous sclerosis 2 (TSC2). Identifiers: Orphanet 805, MedGen C1860707, MONDO:0013199, OMIM 613254.

Submissions (2):

Mayo Clinic Laboratories, Mayo Clinic
Classification: Pathogenic. Last evaluated: 2023-07-11. Review status: criteria provided, single submitter. Criteria: ACMG Guidelines, 2015. Collection method: clinical testing. Allele origin: germline. Observed: 1 variant allele.
Comment: PP4, PM2_moderate, PVS1

Center for Genomics, Ann and Robert H. Lurie Children's Hospital of Chicago
Classification: Uncertain significance for Lymphangiomyomatosis; Isolated focal cortical dysplasia type II; Tuberous sclerosis 2. Review status: criteria provided, single submitter. Criteria: ACMG Guidelines, 2015. Collection method: clinical testing. Allele origin: germline.
Comment: TSC2 NM_000548.4 exon 21 p.Leu773Phefs*6 (c.2318dupT): This variant has not been reported in the literature and is not present in large control databases. Evolutionary conservation and computational predictive tools for this variant are limited or unavailable. This variant represents a duplication of one nucleotide and creates a premature stop codon 6 amino acids downstream from this location which results in an absent or abnormal protein. Loss of function variants are a known mechanism of disease for this gene (Rosset 2017 PMID:28222202). In summary, data on this variant is highly suspicious for disease, but requires further evidence for pathogenicity. Therefore, this variant is classified as likely pathogenic.

NM_000548.5(TSC2):c.2318dup (p.Leu773fs)

Gene: TSC2 (TSC complex subunit 2; plus strand). Cytogenetic location: 16p13.3.
Variant type: Duplication.
Coding change: c.2318dup on transcript NM_000548.5 (MANE Select); coding-DNA position 2318, one base duplicated (T; older notation c.2318dupT).
Protein change: p.Leu773fs; shifts the reading frame from leucine 773.
Molecular consequence: frameshift variant.
Genome position (GRCh38, 1-based): chr16:2,072,946, T duplicated; the last of 2 consecutive T bases (chr16:2,072,945-2,072,946); duplicating either gives the same sequence. VCF-style (leftmost placement, unchanged base first): chr16-2072944-A-AT. GRCh37 (hg19) VCF-style: chr16-2122945-A-AT.
Other names: p.Leu773Phefs*6; c.2318dup, p.Leu773fs (NM_001077183.3, NM_001114382.3, NM_001363528.2 and 3 more transcripts); c.2207dup, p.Leu736fs (NM_001318827.2); c.2171dup, p.Leu724fs (NM_001318829.2); c.1718dup, p.Leu573fs (NM_001318831.2); c.2351dup, p.Leu784fs (NM_001318832.2); short protein forms L724fs, L773fs, L573fs, L784fs, L736fs.
Identifiers: ClinVar variation 828015 (VCV000828015.4), dbSNP rs1596350476, ClinGen allele CA915946278.